The following is an entry in ClinVar:

NM_004933.3(CDH15):c.1971A>G (p.Gln657=)

Gene: CDH15 (cadherin 15; plus strand). Cytogenetic location: 16q24.3.
Variant type: single nucleotide variant.
Coding change: c.1971A>G on transcript NM_004933.3 (MANE Select); coding-DNA position 1971, A replaced by G.
Protein change: p.Gln657=; no amino-acid change (glutamine 657 retained).
Molecular consequence: synonymous variant.
Genome position (GRCh38, 1-based): chr16:89,193,585, A>G. VCF-style: chr16-89193585-A-G. GRCh37 (hg19) VCF-style: chr16-89259993-A-G.
Identifiers: ClinVar variation 128647 (VCV000128647.12), dbSNP rs3815615, ClinGen allele CA152234.

ClinVar aggregate classification (germline): Benign. Review status: criteria provided, multiple submitters, no conflicts (2 of 4 stars). 4 submissions from 4 submitters: Benign (3). 1 of the submissions does not count toward it. Last evaluated 2021-07-14.

Conditions:
Intellectual developmental disorder, autosomal dominant 3. Also called: Intellectual disability, autosomal dominant 3. Identifiers: MedGen C2675488, MONDO:0012946, OMIM 612580.

Allele frequency attached by ClinVar (database versions not stated): ESP Exome Variant Server 0.39601; TOPMed 0.41616; gnomAD 0.42410 and 0.43298; gnomAD exomes 0.44857 and 0.46697; 1000 Genomes Project 30x 0.48641; 1000 Genomes Project 0.49980; ExAC 0.50741.
gnomAD v4.1: 714,489 of 1,597,498 alleles (45%); highest among the groups gnomAD compares: East Asian, 79%; 163,945 homozygotes.

Submissions (4):

Genome-Nilou Lab
Classification: Benign for Intellectual developmental disorder, autosomal dominant 3. Last evaluated: 2021-07-14. Review status: criteria provided, single submitter. Criteria: ACMG Guidelines, 2015. Collection method: clinical testing. Allele origin: germline. Affected: no.

GeneDx
Classification: Benign. Last evaluated: 2019-03-03. Review status: criteria provided, single submitter. Criteria: GeneDx Variant Classification Process June 2021. Collection method: clinical testing. Allele origin: germline. Affected: yes.

Breakthrough Genomics
Classification: Benign. Review status: criteria provided, single submitter. Criteria: ACMG Guidelines, 2015. Collection method: not provided. Allele origin: germline. Inheritance: Autosomal dominant inheritance. Affected: yes.

Genetic Services Laboratory, University of Chicago
Classification: Likely benign for AllHighlyPenetrant. Review status: no assertion criteria provided. Collection method: clinical testing. Allele origin: germline. Inheritance: Autosomal dominant inheritance. Not counted in ClinVar's aggregate classification.
Comment: Likely benign based on allele frequency in 1000 Genomes Project or ESP global frequency and its presence in a patient with a rare or unrelated disease phenotype. NOT Sanger confirmed.